The following is an entry in ClinVar:

ClinVar aggregate classification (germline): Pathogenic (1 of 4 stars; one submission).

Conditions:
Hereditary cancer-predisposing syndrome. Also called: Tumor predisposition; Hereditary neoplastic syndrome; Hereditary Cancer Syndrome; Neoplastic Syndromes, Hereditary. Identifiers: Orphanet 140162, MedGen C0027672, MeSH D009386, MONDO:0015356.

Submission:

Color Diagnostics, LLC DBA Color Health
Classification: Pathogenic for Hereditary cancer-predisposing syndrome. Last evaluated: 2020-11-05. Review status: criteria provided, single submitter. Criteria: ACMG Guidelines, 2015. Collection method: clinical testing. Allele origin: germline.
Comment: This variant deletes 1 nucleotide in exon 9 of the CDH1 gene, creating a frameshift and premature translation stop signal. This variant is expected to result in an absent or non-functional protein product. To our knowledge, this variant has not been reported in individuals affected with hereditary cancer in the literature. This variant has not been identified in the general population by the Genome Aggregation Database (gnomAD). Loss of CDH1 function is a known mechanism of disease. Based on the available evidence, this variant is classified as Pathogenic.

NM_004360.5(CDH1):c.1307del (p.Ile435_Leu436insTer)

Gene: CDH1 (cadherin 1; plus strand). Cytogenetic location: 16q22.1.
Variant type: Deletion.
Coding change: c.1307del on transcript NM_004360.5 (MANE Select); coding-DNA position 1307, one base deleted (T; older notation c.1307delT).
Protein change: p.Ile435_Leu436insTer.
Molecular consequence: nonsense. On other transcripts: 5 prime UTR variant (2), intron variant (1).
Genome position (GRCh38, 1-based): chr16:68,813,482, T deleted; the last of 4 consecutive T bases (chr16:68,813,479-68,813,482); deleting any one gives the same sequence. VCF-style (leftmost placement, unchanged base first): chr16-68813478-AT-A. GRCh37 (hg19) VCF-style: chr16-68847381-AT-A.
Other names: c.-309del (NM_001317185.2); c.-513del (NM_001317186.2); c.1137+1219del (NM_001317184.2).
Identifiers: ClinVar variation 1170987 (VCV001170987.2), dbSNP rs2152133642, ClinGen allele CA2499223659.